The following is an entry in ClinVar:

ClinVar aggregate classification (germline): Likely benign. Review status: criteria provided, multiple submitters, no conflicts (2 of 4 stars). 3 submissions from 3 submitters: Likely benign (3). Last evaluated 2023-12-18.

Conditions:
Malignant hyperthermia, susceptibility to, 1 (MHS1). Also called: Malignant hyperthermia suceptibility 1; Anesthesia related hyperthermia; Malignant hyperpyrexia; Fulminating hyperpyrexia; Pharmacogenic myopathy; RYR1-Related Malignant Hyperthermia Susceptibility. Identifiers: Orphanet 423, MedGen C2930980, MONDO:0007783, OMIM 145600.
RYR1-related disorder. Also called: RYR1-related condition; RYR1-related disorders. Identifiers: MedGen CN239331.

Allele frequency attached by ClinVar (database versions not stated): TOPMed below 0.00001.
gnomAD v4.1: 2 of 1,614,160 alleles (0.00012%); highest among the groups gnomAD compares: Non-Finnish European, 0.00017%; no homozygotes.

Submissions (3):

All of Us Research Program, National Institutes of Health
Classification: Likely benign for Malignant hyperthermia, susceptibility to, 1. Last evaluated: 2023-12-18. Review status: criteria provided, single submitter. Criteria: ACMG Guidelines, 2015. Collection method: clinical testing. Allele origin: germline. Inheritance: Autosomal dominant inheritance. Observed: 1 variant allele, 1 heterozygote.
Comment: This study involves interpretation of variants in research participants for the purpose of population health screening. Participant phenotype was not available at the time of variant classification. Additional details can be found in publication PMID: 35346344, PMCID: PMC8962531

Color Diagnostics, LLC DBA Color Health
Classification: Likely benign for Malignant hyperthermia, susceptibility to, 1. Last evaluated: 2023-09-27. Review status: criteria provided, single submitter. Criteria: ACMG Guidelines, 2015. Collection method: clinical testing. Allele origin: germline.

Labcorp Genetics (formerly Invitae), Labcorp
Classification: Likely benign for RYR1-related disorder. Last evaluated: 2022-03-05. Review status: criteria provided, single submitter. Criteria: Invitae Variant Classification Sherloc (09022015). Collection method: clinical testing. Allele origin: germline.

NM_000540.3(RYR1):c.10947A>G (p.Ala3649=)

Gene: RYR1 (ryanodine receptor 1; plus strand). Cytogenetic location: 19q13.2.
Variant type: single nucleotide variant.
Coding change: c.10947A>G on transcript NM_000540.3 (MANE Select); coding-DNA position 10947, A replaced by G.
Protein change: p.Ala3649=; no amino-acid change (alanine 3649 retained).
Molecular consequence: synonymous variant.
Genome position (GRCh38, 1-based): chr19:38,528,608, A>G. VCF-style: chr19-38528608-A-G. GRCh37 (hg19) VCF-style: chr19-39019248-A-G.
Other names: c.10932A>G, p.Ala3644= (NM_001042723.2).
Identifiers: ClinVar variation 2039976 (VCV002039976.6), dbSNP rs1416168826, ClinGen allele CA507354533.